The following is an entry in ClinVar:

NM_000122.2(ERCC3):c.1842G>A (p.Ser614=)

Gene: ERCC3 (ERCC excision repair 3, TFIIH core complex helicase subunit; minus strand). Cytogenetic location: 2q14.3.
Variant type: single nucleotide variant.
Coding change: c.1842G>A on transcript NM_000122.2 (MANE Select); coding-DNA position 1842, G replaced by A.
Protein change: p.Ser614=; no amino-acid change (serine 614 retained).
Molecular consequence: synonymous variant.
Genome position (GRCh38, 1-based): chr2:127,271,439, C>T on the plus strand (G>A on the coding strand, the complement: ERCC3 is on the minus strand). VCF-style: chr2-127271439-C-T. GRCh37 (hg19) VCF-style: chr2-128029015-C-T.
Other names: c.1650G>A, p.Ser550= (NM_001303416.2, NM_001303418.2).
Identifiers: ClinVar variation 2893875 (VCV002893875.26), dbSNP rs750922401, ClinGen allele CA1858156.

ClinVar aggregate classification (germline): Likely benign. Review status: criteria provided, multiple submitters, no conflicts (2 of 4 stars). 3 submissions from 3 submitters: Likely benign (3). Last evaluated 2024-09-20.

Allele frequency attached by ClinVar (database versions not stated): gnomAD 0.00003.
gnomAD v4.1: 14 of 1,612,982 alleles (0.00087%); highest among the groups gnomAD compares: African/African-American, 0.0054%; no homozygotes.

Submissions (3):

Blueprint Genetics
Classification: Likely benign. Last evaluated: 2024-09-20. Review status: criteria provided, single submitter. Criteria: ACMG Guidelines, 2015. Collection method: clinical testing. Allele origin: germline.

CeGaT Center for Human Genetics Tuebingen
Classification: Likely benign. Last evaluated: 2024-02-01. Review status: criteria provided, single submitter. Criteria: CeGaT Center For Human Genetics Tuebingen Variant Classification Criteria Version 2. Collection method: clinical testing. Allele origin: germline. Affected: yes. Observed: 1 variant allele.
Comment: ERCC3: BP4, BP7

Labcorp Genetics (formerly Invitae), Labcorp
Classification: Likely benign. Last evaluated: 2023-06-16. Review status: criteria provided, single submitter. Criteria: Invitae Variant Classification Sherloc (09022015). Collection method: clinical testing. Allele origin: germline.